The following is an entry in ClinVar:

ClinVar aggregate classification (germline): Pathogenic (1 of 4 stars; one submission).

Submission:

CeGaT Center for Human Genetics Tuebingen
Classification: Pathogenic. Last evaluated: 2025-05-01. Review status: criteria provided, single submitter. Criteria: CeGaT Center For Human Genetics Tuebingen Variant Classification Criteria Version 2. Collection method: clinical testing. Allele origin: germline. Affected: yes. Observed: 1 variant allele.
Comment: HSPG2: PVS1, PM2

NM_005529.7(HSPG2):c.6871-1G>C

Genes: HSPG2 (heparan sulfate proteoglycan 2; minus strand), LOC126805655 (CDK7 strongly-dependent group 2 enhancer GRCh37_chr1:22178409-22179608; plus strand). Cytogenetic location: 1p36.12.
Variant type: single nucleotide variant.
Coding change: c.6871-1G>C on transcript NM_005529.7 (MANE Select); the canonical splice acceptor site of the intron before coding-DNA position 6871, G replaced by C.
Molecular consequence: splice acceptor variant.
Genome position (GRCh38, 1-based): chr1:21,851,927, C>G on the plus strand (G>C on the coding strand, the complement: HSPG2 is on the minus strand). VCF-style: chr1-21851927-C-G. GRCh37 (hg19) VCF-style: chr1-22178420-C-G.
Other names: c.6874-1G>C (NM_001291860.2).
Identifiers: ClinVar variation 3905993 (VCV003905993.10).